The following is an entry in ClinVar:

ClinVar aggregate classification (germline): Uncertain significance (1 of 4 stars; one submission).

Conditions:
Emery-Dreifuss muscular dystrophy 4, autosomal dominant (EDMD4). Also called: EMERY-DREIFUSS MUSCULAR DYSTROPHY 4 WITH VARIABLE FEATURES. Identifiers: Orphanet 261, MedGen C2751807, MONDO:0013071, OMIM 612998.
Autosomal recessive ataxia, Beauce type. Also called: SYNE1 Deficiency; Spinocerebellar ataxia, autosomal recessive 8; ATAXIA, RECESSIVE, OF BEAUCE; SYNE1-Related Autosomal Recessive Cerebellar Ataxia. Identifiers: Orphanet 88644, MedGen C1853116, MONDO:0012549, OMIM 610743.

Allele frequency attached by ClinVar (database versions not stated): gnomAD exomes below 0.00001; TOPMed below 0.00001; ExAC 0.00002.
gnomAD v4.1: 3 of 1,614,182 alleles (0.00019%); highest among the groups gnomAD compares: Non-Finnish European, 0.00025%; no homozygotes.

Submission:

Labcorp Genetics (formerly Invitae), Labcorp
Classification: Uncertain significance for Emery-Dreifuss muscular dystrophy 4, autosomal dominant; Autosomal recessive ataxia, Beauce type. Last evaluated: 2022-11-15. Review status: criteria provided, single submitter. Criteria: Invitae Variant Classification Sherloc (09022015). Collection method: clinical testing. Allele origin: germline.
Comment: In summary, the available evidence is currently insufficient to determine the role of this variant in disease. Therefore, it has been classified as a Variant of Uncertain Significance. Algorithms developed to predict the effect of missense changes on protein structure and function are either unavailable or do not agree on the potential impact of this missense change (SIFT: "Deleterious"; PolyPhen-2: "Probably Damaging"; Align-GVGD: "Class C0"). This variant has not been reported in the literature in individuals affected with SYNE1-related conditions. This variant is present in population databases (rs766991360, gnomAD 0.002%). This sequence change replaces leucine, which is neutral and non-polar, with phenylalanine, which is neutral and non-polar, at codon 8375 of the SYNE1 protein (p.Leu8375Phe).

NM_182961.4(SYNE1):c.25267C>T (p.Leu8423Phe)

Gene: SYNE1 (spectrin repeat containing nuclear envelope protein 1; minus strand). Cytogenetic location: 6q25.2.
Variant type: single nucleotide variant.
Coding change: c.25267C>T on transcript NM_182961.4 (MANE Select); coding-DNA position 25267, C replaced by T.
Protein change: p.Leu8423Phe; replaces leucine 8423 with phenylalanine.
Molecular consequence: missense variant.
Genome position (GRCh38, 1-based): chr6:152,140,141, G>A on the plus strand (C>T on the coding strand, the complement: SYNE1 is on the minus strand). VCF-style: chr6-152140141-G-A. GRCh37 (hg19) VCF-style: chr6-152461276-G-A.
Other names: c.1873C>T, p.Leu625Phe (NM_001347701.2); c.1801C>T, p.Leu601Phe (NM_001347702.2); c.25123C>T, p.Leu8375Phe (NM_033071.5); short protein forms L601F, L8423F, L625F, L8375F.
Identifiers: ClinVar variation 1951873 (VCV001951873.5), dbSNP rs766991360, ClinGen allele CA4052870.